The following is an entry in ClinVar:

ClinVar aggregate classification (germline): Likely benign (0 of 4 stars; one submission).

Conditions:
FGFR2-related disorder. Identifiers: MedGen CN380096.

Submission:

PreventionGenetics, part of Exact Sciences
Classification: Likely benign for FGFR2-related condition. Last evaluated: 2019-12-16. Review status: no assertion criteria provided. Collection method: clinical testing. Allele origin: germline.
Comment: This variant is classified as likely benign based on ACMG/AMP sequence variant interpretation guidelines (Richards et al. 2015 PMID: 25741868, with internal and published modifications).

NM_000141.5(FGFR2):c.2301+1512dup

Gene: FGFR2 (fibroblast growth factor receptor 2; minus strand). Cytogenetic location: 10q26.13.
Variant type: Duplication.
Coding change: c.2301+1512dup on transcript NM_000141.5 (MANE Select); 1512 bases into the intron after coding-DNA position 2301, one base duplicated (T; older notation c.2301+1512dupT).
Molecular consequence: intron variant.
Genome position (GRCh38, 1-based): chr10:121,482,186, A duplicated on the plus strand (T on the coding strand, the reverse complement: FGFR2 is on the minus strand); the first of 7 consecutive A bases (chr10:121,482,186-121,482,192); duplicating any one gives the same sequence. VCF-style (leftmost placement, unchanged base first): chr10-121482185-G-GA. GRCh37 (hg19) VCF-style: chr10-123241699-G-GA.
Other names: c.1965+1512dup (NM_001144914.1); c.1950+1512dup (NM_001144918.2, NM_001441091.1); c.1956+1512dup (NM_001441090.1, NM_001144916.2); c.2028+1512dup (NM_001441089.1); c.2034+1512dup (NM_023029.3, NM_001144915.2); c.2031+1512dup (NM_001441088.1); c.1953+1512dup (NM_001144917.2); c.2295+1512dup (NM_001320658.2); and 6 more.
Identifiers: ClinVar variation 3047978 (VCV003047978.2), dbSNP rs775759591, ClinGen allele CA5720494.
Genomic context (GRCh38, chr10:121,482,185, plus strand): 5'-CTGCGCCTGACCAACTTTTCCCAGTTTCTCAATGAAGCCATAAACTTTCAGATCTGATAG[G>GA]AAAAAAACAGGGATATCAGTAGATTCCAAGTCTACAGTTAAAGGAACTTATACTAGAAAC-3'